The following is an entry in ClinVar:

NM_015271.5(TRIM2):c.653A>G (p.His218Arg)

Gene: TRIM2 (tripartite motif containing 2; plus strand). Cytogenetic location: 4q31.3.
Variant type: single nucleotide variant.
Coding change: c.653A>G on transcript NM_015271.5 (MANE Select); coding-DNA position 653, A replaced by G.
Protein change: p.His218Arg; replaces histidine 218 with arginine.
Molecular consequence: missense variant. On other transcripts: intron variant (2).
Genome position (GRCh38, 1-based): chr4:153,294,352, A>G. VCF-style: chr4-153294352-A-G. GRCh37 (hg19) VCF-style: chr4-154215504-A-G.
Other names: c.572A>G, p.His191Arg (NM_001130067.2, NM_001351056.2, NM_001375512.1 and 5 more transcripts); c.626A>G, p.His209Arg (NM_001351054.2); c.623A>G, p.His208Arg (NM_001351055.2); c.197A>G, p.His66Arg (NM_001351057.2); c.746A>G, p.His249Arg (NM_001375488.1); c.743A>G, p.His248Arg (NM_001375489.1); c.653A>G, p.His218Arg (NM_001375490.1); c.650A>G, p.His217Arg (NM_001375491.1); and 3 more; short protein forms H66R, H208R, H218R, H217R, H248R, H249R, H105R, H191R.
Identifiers: ClinVar variation 939068 (VCV000939068.11), dbSNP rs952772847, ClinGen allele CA107915125.
Genomic context (GRCh38, chr4:153,294,352, plus strand): 5'-AACTGTCCACCAGGCTCCCAGAAATAGATTCTGCTCTTCAGTTCATCTCTGAAATCATTC[A>G]TCAGTTAACCAACCAAAAGGCCAGCATCGTGGATGACATTCATTCCACCTTTGATGAGCT-3'
Protein context (NP_056086.2, residues 208-228): SALQFISEII[His218Arg]QLTNQKASIV

ClinVar aggregate classification (germline): Uncertain significance. Review status: criteria provided, multiple submitters, no conflicts (2 of 4 stars). 2 submissions from 2 submitters: Uncertain significance (2). Last evaluated 2024-11-25.

Conditions:
Charcot-Marie-Tooth disease type 2R. Also called: Charcot-Marie-Tooth disease, axonal, type 2R; CHARCOT-MARIE-TOOTH DISEASE, AXONAL, AUTOSOMAL RECESSIVE, TYPE 2R; CHARCOT-MARIE-TOOTH NEUROPATHY, TYPE 2R. Identifiers: Orphanet 397968, MedGen C3809655, MONDO:0014208, OMIM 615490.

Allele frequency attached by ClinVar (database versions not stated): gnomAD exomes below 0.00001; gnomAD 0.00001 and 0.00011; TOPMed 0.00011.
gnomAD v4.1: 15 of 1,614,086 alleles (0.00093%); highest among the groups gnomAD compares: Non-Finnish European, 0.00025%; no homozygotes.

Submissions (2):

Women's Health and Genetics/Laboratory Corporation of America, LabCorp
Classification: Uncertain significance. Last evaluated: 2024-11-25. Review status: criteria provided, single submitter. Criteria: LabCorp Variant Classification Summary - May 2015. Collection method: clinical testing. Allele origin: germline.
Comment: Variant summary: TRIM2 c.572A>G (p.His191Arg) results in a non-conservative amino acid change located in the B-box C-terminal domain (IPR003649) of the encoded protein sequence. Three of five in-silico tools predict a benign effect of the variant on protein function. The variant was absent in 251448 control chromosomes (gnomAD v2.1, exomes dataset). The available data on variant occurrences in the general population are insufficient to allow any conclusion about variant significance. To our knowledge, no occurrence of c.572A>G in individuals affected with Charcot-Marie-Tooth disease type 2R and no experimental evidence demonstrating its impact on protein function have been reported. ClinVar contains an entry for this variant (Variation ID: 939068). Based on the evidence outlined above, the variant was classified as uncertain significance.

Labcorp Genetics (formerly Invitae), Labcorp
Classification: Uncertain significance for Charcot-Marie-Tooth disease type 2R. Last evaluated: 2021-04-23. Review status: criteria provided, single submitter. Criteria: Invitae Variant Classification Sherloc (09022015). Collection method: clinical testing. Allele origin: germline.
Comment: Algorithms developed to predict the effect of missense changes on protein structure and function (SIFT, PolyPhen-2, Align-GVGD) all suggest that this variant is likely to be tolerated, but these predictions have not been confirmed by published functional studies and their clinical significance is uncertain. This sequence change replaces histidine with arginine at codon 191 of the TRIM2 protein (p.His191Arg). The histidine residue is moderately conserved and there is a small physicochemical difference between histidine and arginine. This variant is not present in population databases (ExAC no frequency). This variant has not been reported in the literature in individuals with TRIM2-related conditions. Algorithms developed to predict the effect of sequence changes on RNA splicing suggest that this variant may create or strengthen a splice site, but this prediction has not been confirmed by published transcriptional studies. In summary, the available evidence is currently insufficient to determine the role of this variant in disease. Therefore, it has been classified as a Variant of Uncertain Significance.